The following is an entry in ClinVar:

NM_002471.4(MYH6):c.4418A>G (p.Gln1473Arg)

Gene: MYH6 (myosin heavy chain 6; minus strand). Cytogenetic location: 14q11.2.
Variant type: single nucleotide variant.
Coding change: c.4418A>G on transcript NM_002471.4 (MANE Select); coding-DNA position 4418, A replaced by G.
Protein change: p.Gln1473Arg; replaces glutamine 1473 with arginine.
Molecular consequence: missense variant.
Genome position (GRCh38, 1-based): chr14:23,387,865, T>C on the plus strand (A>G on the coding strand, the complement: MYH6 is on the minus strand). VCF-style: chr14-23387865-T-C. GRCh37 (hg19) VCF-style: chr14-23857074-T-C.
Other names: short protein forms Q1473R.
Identifiers: ClinVar variation 1740445 (VCV001740445.5), dbSNP rs1457877609, ClinGen allele CA388997699.

ClinVar aggregate classification (germline): Uncertain significance. Review status: criteria provided, multiple submitters, no conflicts (2 of 4 stars). 2 submissions from 2 submitters: Uncertain significance (2). Last evaluated 2023-10-08.

Conditions:
Hypertrophic cardiomyopathy 14. Identifiers: MedGen C2750467, MONDO:0013197, OMIM 613251.
Cardiovascular phenotype. Identifiers: MedGen CN230736.

Allele frequency attached by ClinVar (database versions not stated): gnomAD exomes below 0.00001; gnomAD 0.00001.
gnomAD v4.1: 2 of 1,614,018 alleles (0.00012%); highest among the groups gnomAD compares: Non-Finnish European, 0.00017%; no homozygotes.

Submissions (2):

Labcorp Genetics (formerly Invitae), Labcorp
Classification: Uncertain significance for Hypertrophic cardiomyopathy 14. Last evaluated: 2023-10-08. Review status: criteria provided, single submitter. Criteria: Invitae Variant Classification Sherloc (09022015). Collection method: clinical testing. Allele origin: germline.
Comment: This sequence change replaces glutamine, which is neutral and polar, with arginine, which is basic and polar, at codon 1473 of the MYH6 protein (p.Gln1473Arg). This variant is present in population databases (no rsID available, gnomAD 0.007%). This variant has not been reported in the literature in individuals affected with MYH6-related conditions. ClinVar contains an entry for this variant (Variation ID: 1740445). Advanced modeling of protein sequence and biophysical properties (such as structural, functional, and spatial information, amino acid conservation, physicochemical variation, residue mobility, and thermodynamic stability) performed at Invitae indicates that this missense variant is expected to disrupt MYH6 protein function. In summary, the available evidence is currently insufficient to determine the role of this variant in disease. Therefore, it has been classified as a Variant of Uncertain Significance.

Ambry Genetics
Classification: Uncertain significance for Cardiovascular phenotype. Last evaluated: 2021-11-28. Review status: criteria provided, single submitter. Criteria: Ambry Variant Classification Scheme 2023. Collection method: clinical testing. Allele origin: germline.
Comment: The p.Q1473R variant (also known as c.4418A>G), located in coding exon 29 of the MYH6 gene, results from an A to G substitution at nucleotide position 4418. The glutamine at codon 1473 is replaced by arginine, an amino acid with highly similar properties. This amino acid position is conserved. In addition, the in silico prediction for this alteration is inconclusive. Since supporting evidence is limited at this time, the clinical significance of this alteration remains unclear.